The following is an entry in ClinVar:

NM_020928.2(ZSWIM6):c.151GCG[7] (p.Ala56dup)

Gene: ZSWIM6 (zinc finger SWIM-type containing 6; plus strand). Cytogenetic location: 5q12.1.
Variant type: Microsatellite.
Coding change: c.151GCG[7] on transcript NM_020928.2 (MANE Select); seven copies in a row of the 3-base unit GCG starting at c.151; the reference has six copies in a row; one copy, 3 bases duplicated.
Protein change: p.Ala56dup; duplicates alanine 56.
Molecular consequence: inframe insertion.
Genome position (GRCh38, 1-based): chr5:61,332,438-61,332,440, GCG duplicated; duplicating any 3 consecutive bases within chr5:61,332,423-61,332,440 gives the same sequence; the position shown is the placement nearest the transcript's 3' end. VCF-style (leftmost placement, unchanged base first): chr5-61332422-C-CGCG. GRCh37 (hg19) VCF-style: chr5-60628249-C-CGCG.
Identifiers: ClinVar variation 931663 (VCV000931663.38), dbSNP rs779283808, ClinGen allele CA444673759.

ClinVar aggregate classification (germline): Conflicting classifications of pathogenicity. Review status: criteria provided, conflicting classifications (1 of 4 stars). 7 submissions from 7 submitters: Uncertain significance (1); Benign (1); Likely benign (3). 2 of the submissions do not count toward it. Last evaluated 2026-04-01.

Conditions:
Inborn genetic diseases. Identifiers: MedGen C0950123, MeSH D030342.
Acromelic frontonasal dysostosis (AFND). Identifiers: Orphanet 1827, MedGen C1863616, MONDO:0011359, OMIM 603671.

Submissions (7):

CeGaT Center for Human Genetics Tuebingen
Classification: Benign. Last evaluated: 2026-04-01. Review status: criteria provided, single submitter. Criteria: CeGaT Center For Human Genetics Tuebingen Variant Classification Criteria Version 2. Collection method: clinical testing. Allele origin: germline. Affected: yes. Observed: 19 variant alleles.
Comment: ZSWIM6: BS1, BS2

Labcorp Genetics (formerly Invitae), Labcorp
Classification: Likely benign. Last evaluated: 2026-01-06. Review status: criteria provided, single submitter. Criteria: Invitae Variant Classification Sherloc (09022015). Collection method: clinical testing. Allele origin: germline.

Blueprint Genetics
Classification: Likely benign. Last evaluated: 2024-11-23. Review status: criteria provided, single submitter. Criteria: ACMG Guidelines, 2015. Collection method: clinical testing. Allele origin: germline.

Ambry Genetics
Classification: Likely benign for Inborn genetic diseases. Last evaluated: 2022-02-18. Review status: criteria provided, single submitter. Criteria: Ambry Variant Classification Scheme 2023. Collection method: clinical testing. Allele origin: germline.

Centre for Mendelian Genomics, University Medical Centre Ljubljana
Classification: Uncertain significance for Acromelic frontonasal dysostosis. Last evaluated: 2020-01-14. Review status: criteria provided, single submitter. Criteria: ACMG Guidelines, 2015. Collection method: clinical testing. Allele origin: unknown. Affected: yes.
Comment: This variant was classified as: Uncertain significance. The available evidence on this variant's pathogenicity is insufficient or conflicting. The following ACMG criteria were applied in classifying this variant: PM4.

Clinical Genetics DNA and cytogenetics Diagnostics Lab, Erasmus MC, Erasmus Medical Center
Classification: Uncertain significance. Review status: no assertion criteria provided. Collection method: clinical testing. Allele origin: germline. Affected: yes. Study: VKGL Data-share Consensus. Not counted in ClinVar's aggregate classification.

Laboratory of Diagnostic Genome Analysis, Leiden University Medical Center (LUMC)
Classification: Uncertain significance. Review status: no assertion criteria provided. Collection method: clinical testing. Allele origin: germline. Affected: yes. Study: VKGL Data-share Consensus. Not counted in ClinVar's aggregate classification.